The following is an entry in ClinVar:

ClinVar aggregate classification (germline): Uncertain significance. Review status: criteria provided, multiple submitters, no conflicts (2 of 4 stars). 2 submissions from 2 submitters: Uncertain significance (2). Last evaluated 2025-07-25.

Conditions:
Aortic aneurysm, familial thoracic 4 (AAT4). Also called: AORTIC ANEURYSM/AORTIC DISSECTION AND PATENT DUCTUS ARTERIOSUS. Identifiers: MedGen C1851504, MONDO:0007568, OMIM 132900.
Familial thoracic aortic aneurysm and aortic dissection (TAAD). Also called: Thoracic aortic aneurysms and dissections. Identifiers: Orphanet 91387, MedGen C4707243, MONDO:0019625.

Submissions (2):

Color Diagnostics, LLC DBA Color Health
Classification: Uncertain significance for Familial thoracic aortic aneurysm and aortic dissection. Last evaluated: 2025-07-25. Review status: criteria provided, single submitter. Criteria: ACMG Guidelines, 2015. Collection method: clinical testing. Allele origin: germline.
Comment: This missense variant replaces glutamic acid with glutamine at codon 1237 of the MYH11 protein. To our knowledge, functional studies have not been reported for this variant. This variant has not been reported in individuals affected with MYH11-related disorders in the literature. This variant has not been identified in the general population by the Genome Aggregation Database (gnomAD). The available evidence is insufficient to determine the role of this variant in disease conclusively. Therefore, this variant is classified as a Variant of Uncertain Significance.

Labcorp Genetics (formerly Invitae), Labcorp
Classification: Uncertain significance for Aortic aneurysm, familial thoracic 4. Last evaluated: 2023-01-15. Review status: criteria provided, single submitter. Criteria: Invitae Variant Classification Sherloc (09022015). Collection method: clinical testing. Allele origin: germline.
Comment: Information on the frequency of this variant in the gnomAD database is not available, as this variant may be reported differently in the database. This sequence change replaces glutamic acid, which is acidic and polar, with glutamine, which is neutral and polar, at codon 1237 of the MYH11 protein (p.Glu1237Gln). This variant has not been reported in the literature in individuals affected with MYH11-related conditions. In summary, the available evidence is currently insufficient to determine the role of this variant in disease. Therefore, it has been classified as a Variant of Uncertain Significance. Experimental studies and prediction algorithms are not available or were not evaluated, and the functional significance of this variant is currently unknown.

NM_002474.3(MYH11):c.3687_3688delinsTC (p.Glu1230Gln)

Gene: MYH11 (myosin heavy chain 11; minus strand). Cytogenetic location: 16p13.11.
Variant type: Indel.
Coding change: c.3687_3688delinsTC on transcript NM_002474.3 (MANE Select); coding-DNA positions 3687 to 3688, GG replaced by TC.
Protein change: p.Glu1230Gln; replaces glutamic acid 1230 with glutamine.
Molecular consequence: missense variant.
Genome position (GRCh38, 1-based): chr16:15,727,018-15,727,019, CC replaced by GA on the plus strand (GG replaced by TC on the coding strand, the reverse complement: MYH11 is on the minus strand). VCF-style: chr16-15727018-CC-GA. GRCh37 (hg19) VCF-style: chr16-15820875-CC-GA.
Other names: c.3708_3709delinsTC, p.Glu1237Gln (NM_001040113.2, NM_001040114.2); c.3687_3688delinsTC, p.Glu1230Gln (NM_022844.3); short protein forms E1230Q, E1237Q.
Identifiers: ClinVar variation 2899863 (VCV002899863.4), dbSNP rs2506156501, ClinGen allele CA2739266688.